The following is an entry in ClinVar:

NM_213649.2(SFXN4):c.-50TCC[2]

Genes: SFXN4 (sideroflexin 4; minus strand), LOC130004825 (ATAC-STARR-seq lymphoblastoid silent region 2869; plus strand). Cytogenetic location: 10q26.11.
Variant type: Microsatellite.
Coding change: c.-50TCC[2] on transcript NM_213649.2 (MANE Select); two copies in a row of the 3-base unit TCC starting at c.-50; the reference has three copies in a row; one copy, 3 bases deleted.
Molecular consequence: 5 prime UTR variant.
Genome position (GRCh38, 1-based): chr10:119,165,689-119,165,691, GGA deleted on the plus strand (TCC on the coding strand, the reverse complement: SFXN4 is on the minus strand); deleting any 3 consecutive bases within chr10:119,165,689-119,165,698 gives the same sequence; the position shown is the placement nearest the transcript's 3' end. VCF-style (leftmost placement, unchanged base first): chr10-119165688-TGGA-T. GRCh37 (hg19) VCF-style: chr10-120925200-TGGA-T.
Identifiers: ClinVar variation 508384 (VCV000508384.1), dbSNP rs755346020, ClinGen allele CA5714765.

ClinVar aggregate classification (germline): Likely benign (1 of 4 stars; one submission).

Submission:

GeneDx
Classification: Likely benign. Last evaluated: 2017-04-17. Review status: criteria provided, single submitter. Criteria: GeneDx Variant Classification (06012015). Collection method: clinical testing. Allele origin: germline. Affected: yes.
Comment: This variant is considered likely benign or benign based on one or more of the following criteria: it is a conservative change, it occurs at a poorly conserved position in the protein, it is predicted to be benign by multiple in silico algorithms, and/or has population frequency not consistent with disease.